The following is an entry in ClinVar:

NM_015450.3(POT1):c.1527G>C (p.Leu509Phe)

Gene: POT1 (protection of telomeres 1; minus strand). Cytogenetic location: 7q31.33.
Variant type: single nucleotide variant.
Coding change: c.1527G>C on transcript NM_015450.3 (MANE Select); coding-DNA position 1527, G replaced by C.
Protein change: p.Leu509Phe; replaces leucine 509 with phenylalanine.
Molecular consequence: missense variant. On other transcripts: non-coding transcript variant (2).
Genome position (GRCh38, 1-based): chr7:124,829,321, C>G on the plus strand (G>C on the coding strand, the complement: POT1 is on the minus strand). VCF-style: chr7-124829321-C-G. GRCh37 (hg19) VCF-style: chr7-124469375-C-G.
Other names: c.1134G>C, p.Leu378Phe (NM_001042594.2); short protein forms L509F, L378F.
Identifiers: ClinVar variation 2560801 (VCV002560801.2), dbSNP rs2485352789, ClinGen allele CA369064614.
Genomic context (GRCh38, chr7:124,829,321, plus strand): 5'-CACAGAAGAAGGAATCCACGATGTTTTATCAACCAGGGAATTTAGATTTTGTATGGATCT[C>G]AAACTAGAACACTGTTTACATCTGAAATTTATAAAAGAAAGAACCATAAATATTTAAAAA-3'
Protein context (NP_056265.2, residues 499-519): HHYGCKQCSS[Leu509Phe]RSIQNLNSLV

ClinVar aggregate classification (germline): Uncertain significance (1 of 4 stars; one submission).

Conditions:
Hereditary cancer-predisposing syndrome. Also called: Neoplastic Syndromes, Hereditary; Hereditary Cancer Syndrome; Hereditary neoplastic syndrome; Tumor predisposition. Identifiers: Orphanet 140162, MedGen C0027672, MeSH D009386, MONDO:0015356.

Submission:

Ambry Genetics
Classification: Uncertain significance for Hereditary cancer-predisposing syndrome. Last evaluated: 2023-05-23. Review status: criteria provided, single submitter. Criteria: Ambry Variant Classification Scheme 2023. Collection method: clinical testing. Allele origin: germline.
Comment: The p.L509F variant (also known as c.1527G>C), located in coding exon 12 of the POT1 gene, results from a G to C substitution at nucleotide position 1527. The leucine at codon 509 is replaced by phenylalanine, an amino acid with highly similar properties. This amino acid position is conserved. In addition, this alteration is predicted to be tolerated by in silico analysis. Since supporting evidence is limited at this time, the clinical significance of this alteration remains unclear.